The following is an entry in ClinVar:

NM_170707.4(LMNA):c.357-4696T>C

Gene: LMNA (lamin A/C; plus strand). Cytogenetic location: 1q22.
Variant type: single nucleotide variant.
Coding change: c.357-4696T>C on transcript NM_170707.4 (MANE Select); 4696 bases into the intron before coding-DNA position 357, T replaced by C.
Molecular consequence: intron variant.
Genome position (GRCh38, 1-based): chr1:156,125,921, T>C. VCF-style: chr1-156125921-T-C. GRCh37 (hg19) VCF-style: chr1-156095712-T-C.
Other names: c.357-4696T>C (NM_001282625.2, NM_001282626.2, NM_170708.4 and 1 more transcripts).
Identifiers: ClinVar variation 683613 (VCV000683613.1), dbSNP rs2485674, ClinGen allele CA10816026.

ClinVar aggregate classification (germline): Benign (1 of 4 stars; one submission).

Allele frequency attached by ClinVar (database versions not stated): gnomAD 0.21232 and 0.22050; TOPMed 0.22773; 1000 Genomes Project 0.23023; 1000 Genomes Project 30x 0.23985.
gnomAD v4.1: 32,039 of 151,880 alleles (21%); highest among the groups gnomAD compares: African/African-American, 56%; 7,044 homozygotes.

Submission:

GeneDx
Classification: Benign. Last evaluated: 2018-06-18. Review status: criteria provided, single submitter. Criteria: GeneDx Variant Classification (06012015). Collection method: clinical testing. Allele origin: germline. Affected: yes.
Comment: This variant is considered likely benign or benign based on one or more of the following criteria: it is a conservative change, it occurs at a poorly conserved position in the protein, it is predicted to be benign by multiple in silico algorithms, and/or has population frequency not consistent with disease.